The following is an entry in ClinVar:

NM_025179.4(PLXNA2):c.980A>G (p.Asn327Ser)

Gene: PLXNA2 (plexin A2; minus strand). Cytogenetic location: 1q32.2.
Variant type: single nucleotide variant.
Coding change: c.980A>G on transcript NM_025179.4 (MANE Select); coding-DNA position 980, A replaced by G.
Protein change: p.Asn327Ser; replaces asparagine 327 with serine.
Molecular consequence: missense variant.
Genome position (GRCh38, 1-based): chr1:208,216,943, T>C on the plus strand (A>G on the coding strand, the complement: PLXNA2 is on the minus strand). VCF-style: chr1-208216943-T-C. GRCh37 (hg19) VCF-style: chr1-208390288-T-C.
Other names: short protein forms N327S.
Identifiers: ClinVar variation 2993221 (VCV002993221.3), dbSNP rs2102611971, ClinGen allele CA344557867.

ClinVar aggregate classification (germline): Uncertain significance (1 of 4 stars; one submission).

Submission:

Labcorp Genetics (formerly Invitae), Labcorp
Classification: Uncertain significance. Last evaluated: 2025-10-13. Review status: criteria provided, single submitter. Criteria: Invitae Variant Classification Sherloc (09022015). Collection method: clinical testing. Allele origin: germline.
Comment: This sequence change replaces asparagine, which is neutral and polar, with serine, which is neutral and polar, at codon 327 of the PLXNA2 protein (p.Asn327Ser). This variant is not present in population databases (gnomAD no frequency). This variant has not been reported in the literature in individuals affected with PLXNA2-related conditions. ClinVar contains an entry for this variant (Variation ID: 2993221). An algorithm developed to predict the effect of missense changes on protein structure and function (PolyPhen-2) suggests that this variant is likely to be tolerated. In summary, the available evidence is currently insufficient to determine the role of this variant in disease. Therefore, it has been classified as a Variant of Uncertain Significance.